The following is an entry in ClinVar:

ClinVar aggregate classification (germline): Likely benign. Review status: criteria provided, multiple submitters, no conflicts (2 of 4 stars). 4 submissions from 4 submitters: Likely benign (4). Last evaluated 2024-12-08.

Conditions:
Congenital contractural arachnodactyly (CCA). Also called: BEALS SYNDROME; Beals-Hecht syndrome; Arthrogryposis, distal, type 9. Identifiers: Orphanet 115, MedGen C0220668, MONDO:0007363, OMIM 121050.
Familial thoracic aortic aneurysm and aortic dissection (TAAD). Also called: Thoracic aortic aneurysms and dissections. Identifiers: Orphanet 91387, MedGen C4707243, MONDO:0019625.

Allele frequency attached by ClinVar (database versions not stated): TOPMed 0.00002; gnomAD exomes 0.00005; ExAC 0.00010.
gnomAD v4.1: 27 of 1,613,798 alleles (0.0017%); highest among the groups gnomAD compares: Non-Finnish European, 0.0022%; no homozygotes.

Submissions (4):

Labcorp Genetics (formerly Invitae), Labcorp
Classification: Likely benign for Congenital contractural arachnodactyly. Last evaluated: 2024-12-08. Review status: criteria provided, single submitter. Criteria: Invitae Variant Classification Sherloc (09022015). Collection method: clinical testing. Allele origin: germline.

Ambry Genetics
Classification: Likely benign for Familial thoracic aortic aneurysm and aortic dissection. Last evaluated: 2023-03-13. Review status: criteria provided, single submitter. Criteria: Ambry Variant Classification Scheme 2023. Collection method: clinical testing. Allele origin: germline.

Blueprint Genetics
Classification: Likely benign. Last evaluated: 2021-06-30. Review status: criteria provided, single submitter. Criteria: ACMG Guidelines, 2015. Collection method: clinical testing. Allele origin: germline.

GeneDx
Classification: Likely benign. Last evaluated: 2016-03-18. Review status: criteria provided, single submitter. Criteria: GeneDx Variant Classification (06012015). Collection method: clinical testing. Allele origin: germline. Affected: yes.
Comment: This variant is considered likely benign or benign based on one or more of the following criteria: it is a conservative change, it occurs at a poorly conserved position in the protein, it is predicted to be benign by multiple in silico algorithms, and/or has population frequency not consistent with disease.

NM_001999.4(FBN2):c.4773G>T (p.Leu1591=)

Gene: FBN2 (fibrillin 2; minus strand). Cytogenetic location: 5q23.3.
Variant type: single nucleotide variant.
Coding change: c.4773G>T on transcript NM_001999.4 (MANE Select); coding-DNA position 4773, G replaced by T.
Protein change: p.Leu1591=; no amino-acid change (leucine 1591 retained).
Molecular consequence: synonymous variant.
Genome position (GRCh38, 1-based): chr5:128,312,740, C>A on the plus strand (G>T on the coding strand, the complement: FBN2 is on the minus strand). VCF-style: chr5-128312740-C-A. GRCh37 (hg19) VCF-style: chr5-127648432-C-A.
Identifiers: ClinVar variation 384799 (VCV000384799.11), dbSNP rs753387547, ClinGen allele CA3394858.
Genomic context (GRCh38, chr5:128,312,740, plus strand): 5'-TCCCAGAGAGCAGCAGCATGAAGAGCGACTGACGCCCACCCCGATCTCGGTGTTGCAAGA[C>A]AGACTCCCATCTCCTCGAGGTCCAAACTTCAGGTAGCAGTTGCCCACACGGTTGTCTGCA-3'
Protein context (NP_001990.2, residues 1581-1601): LKFGPRGDGS[Leu1591=]SCNTEIGVGV